The following is an entry in ClinVar:

NM_206933.4(USH2A):c.5573-9A>G

Genes: USH2A (usherin; minus strand), USH2A-AS2 (USH2A antisense RNA 2; plus strand). Cytogenetic location: 1q41.
Variant type: single nucleotide variant.
Coding change: c.5573-9A>G on transcript NM_206933.4 (MANE Select); 9 bases into the intron before coding-DNA position 5573, A replaced by G.
Molecular consequence: intron variant.
Genome position (GRCh38, 1-based): chr1:216,073,309, T>C on the plus strand (A>G on the coding strand, the complement: USH2A is on the minus strand). VCF-style: chr1-216073309-T-C. GRCh37 (hg19) VCF-style: chr1-216246651-T-C.
Other names: c.5573-9A>G (NM_206933.2).
Identifiers: ClinVar variation 2186456 (VCV002186456.5), dbSNP rs369759487, ClinGen allele CA37437538.

ClinVar aggregate classification (germline): Likely benign. Review status: criteria provided, multiple submitters, no conflicts (2 of 4 stars). 2 submissions from 2 submitters: Likely benign (2). Last evaluated 2025-07-31.

Conditions:
USH2A-related disorder. Also called: USH2A-related disorders; USH2A-related condition. Identifiers: MedGen CN239332.

Allele frequency attached by ClinVar (database versions not stated): TOPMed 0.00001; ESP Exome Variant Server 0.00008.
gnomAD v4.1: 2 of 1,600,808 alleles (0.00012%); highest among the groups gnomAD compares: Non-Finnish European, 0.00017%; no homozygotes.

Submissions (2):

PreventionGenetics, part of Exact Sciences
Classification: Likely benign for USH2A-related condition. Last evaluated: 2025-07-31. Review status: criteria provided, single submitter. Criteria: ACMG Guidelines, 2015. Collection method: clinical testing. Allele origin: germline.
Comment: This variant is classified as likely benign based on ACMG/AMP sequence variant interpretation guidelines (Richards et al. 2015 PMID: 25741868, with internal and published modifications).

Labcorp Genetics (formerly Invitae), Labcorp
Classification: Likely benign. Last evaluated: 2024-03-14. Review status: criteria provided, single submitter. Criteria: Invitae Variant Classification Sherloc (09022015). Collection method: clinical testing. Allele origin: germline.